The following is an entry in ClinVar:

NM_000038.6(APC):c.1266G>A (p.Glu422=)

Gene: APC (APC regulator of Wnt signaling pathway; plus strand). Cytogenetic location: 5q22.2.
Variant type: single nucleotide variant.
Coding change: c.1266G>A on transcript NM_000038.6 (MANE Select); coding-DNA position 1266, G replaced by A.
Protein change: p.Glu422=; no amino-acid change (glutamic acid 422 retained).
Molecular consequence: synonymous variant. On other transcripts: non-coding transcript variant (2).
Genome position (GRCh38, 1-based): chr5:112,819,298, G>A. VCF-style: chr5-112819298-G-A. GRCh37 (hg19) VCF-style: chr5-112154995-G-A.
Other names: c.1266G>A, p.Glu422= (NM_001127510.3, NM_001354895.2, NM_001354896.2 and 4 more transcripts); c.1212G>A, p.Glu404= (NM_001127511.3); c.1296G>A, p.Glu432= (NM_001354897.2, NM_001407446.1); c.1191G>A, p.Glu397= (NM_001354898.2, NM_001407451.1); c.1182G>A, p.Glu394= (NM_001354899.2, NM_001407452.1); c.1089G>A, p.Glu363= (NM_001354900.2, NM_001354901.2, NM_001407453.1); c.993G>A, p.Glu331= (NM_001354902.2); c.963G>A, p.Glu321= (NM_001354903.2, NM_001407454.1, NM_001407455.1 and 5 more transcripts); and 5 more.
Identifiers: ClinVar variation 1764278 (VCV001764278.2), dbSNP rs1004279154, ClinGen allele CA445960384.

ClinVar aggregate classification (germline): Benign/Likely benign. Review status: criteria provided, multiple submitters, no conflicts (2 of 4 stars). 2 submissions from 2 submitters: Benign (1); Likely benign (1). Last evaluated 2024-03-01.

Conditions:
Hereditary cancer-predisposing syndrome. Also called: Neoplastic Syndromes, Hereditary; Tumor predisposition; Hereditary Cancer Syndrome; Hereditary neoplastic syndrome. Identifiers: Orphanet 140162, MedGen C0027672, MeSH D009386, MONDO:0015356.
Familial adenomatous polyposis 1 (FAP1). Also called: FAMILIAL ADENOMATOUS POLYPOSIS 1, ATTENUATED; POLYPOSIS, ADENOMATOUS INTESTINAL. Identifiers: MedGen C2713442, MONDO:0021056, OMIM 175100. Disease mechanism: loss of function.

Submissions (2):

Myriad Genetics, Inc.
Classification: Benign for Familial adenomatous polyposis 1. Last evaluated: 2024-03-01. Review status: criteria provided, single submitter. Criteria: Myriad Autosomal Dominant, Autosomal Recessive and X-Linked Classification Criteria (2023). Collection method: clinical testing. Allele origin: unknown.
Comment: This variant is considered benign. This variant is a silent/synonymous amino acid change and it is not expected to impact splicing.

Ambry Genetics
Classification: Likely benign for Hereditary cancer-predisposing syndrome. Last evaluated: 2020-09-28. Review status: criteria provided, single submitter. Criteria: Ambry Variant Classification Scheme 2023. Collection method: clinical testing. Allele origin: germline.